The following is an entry in ClinVar:

NM_014855.3(AP5Z1):c.900C>T (p.Tyr300=)

Gene: AP5Z1 (adaptor related protein complex 5 subunit zeta 1; plus strand). Cytogenetic location: 7p22.1.
Variant type: single nucleotide variant.
Coding change: c.900C>T on transcript NM_014855.3 (MANE Select); coding-DNA position 900, C replaced by T.
Protein change: p.Tyr300=; no amino-acid change (tyrosine 300 retained).
Molecular consequence: synonymous variant. On other transcripts: non-coding transcript variant (1).
Genome position (GRCh38, 1-based): chr7:4,785,017, C>T. VCF-style: chr7-4785017-C-T. GRCh37 (hg19) VCF-style: chr7-4824648-C-T.
Other names: c.432C>T, p.Tyr144= (NM_001364858.1); c.900C>T, p.Tyr300= (LRG_1247t1).
Identifiers: ClinVar variation 446853 (VCV000446853.18), dbSNP rs146915189, ClinGen allele CA4137443.

ClinVar aggregate classification (germline): Benign/Likely benign. Review status: criteria provided, multiple submitters, no conflicts (2 of 4 stars). 6 submissions from 6 submitters: Benign (2); Likely benign (4). Last evaluated 2026-02-03.

Conditions:
Hereditary spastic paraplegia 48. Also called: SPASTIC PARAPLEGIA 48, AUTOSOMAL RECESSIVE; Spastic paraplegia 48. Identifiers: Orphanet 306511, MedGen C3150901, MONDO:0013342, OMIM 613647.

Allele frequency attached by ClinVar (database versions not stated): gnomAD exomes 0.00027 and 0.00089; ExAC 0.00119; 1000 Genomes Project 30x 0.00203; 1000 Genomes Project 0.00240; gnomAD 0.00297 and 0.00319; TOPMed 0.00358; ESP Exome Variant Server 0.00411.
gnomAD v4.1: 870 of 1,608,642 alleles (0.054%); highest among the groups gnomAD compares: African/African-American, 0.99%; 3 homozygotes.

Submissions (6):

Labcorp Genetics (formerly Invitae), Labcorp
Classification: Benign for Hereditary spastic paraplegia 48. Last evaluated: 2026-02-03. Review status: criteria provided, single submitter. Criteria: Invitae Variant Classification Sherloc (09022015). Collection method: clinical testing. Allele origin: germline.

Blueprint Genetics
Classification: Likely benign. Last evaluated: 2024-11-14. Review status: criteria provided, single submitter. Criteria: ACMG Guidelines, 2015. Collection method: clinical testing. Allele origin: germline.

GeneDx
Classification: Likely benign. Last evaluated: 2021-05-07. Review status: criteria provided, single submitter. Criteria: GeneDx Variant Classification Process June 2021. Collection method: clinical testing. Allele origin: germline. Affected: yes.

Illumina Laboratory Services, Illumina
Classification: Likely benign for Hereditary spastic paraplegia 48. Last evaluated: 2018-01-12. Review status: criteria provided, single submitter. Criteria: ICSL Variant Classification Criteria 13 December 2019. Collection method: clinical testing. Allele origin: germline.
Comment: This variant was observed in the ICSL laboratory as part of a predisposition screen in an ostensibly healthy population. It had not been previously curated by ICSL or reported in the Human Gene Mutation Database (HGMD: prior to June 1st, 2018), and was therefore a candidate for classification through an automated scoring system. Utilizing variant allele frequency, disease prevalence and penetrance estimates, and inheritance mode, an automated score was calculated to assess if this variant is too frequent to cause the disease. Based on the score and internal cut-off values, a variant classified as likely benign is not then subjected to further curation. The score for this variant resulted in a classification of likely benign for this disease.

Athena Diagnostics
Classification: Benign. Last evaluated: 2016-12-16. Review status: criteria provided, single submitter. Criteria: Athena Diagnostics Criteria. Collection method: clinical testing. Allele origin: germline.

Breakthrough Genomics
Classification: Likely benign. Review status: criteria provided, single submitter. Criteria: ACMG Guidelines, 2015. Collection method: not provided. Allele origin: germline. Inheritance: Autosomal recessive inheritance. Affected: yes.